The following is an entry in ClinVar:

NM_005909.5(MAP1B):c.5942G>T (p.Arg1981Ile)

Gene: MAP1B (microtubule associated protein 1B; plus strand). Cytogenetic location: 5q13.2.
Variant type: single nucleotide variant.
Coding change: c.5942G>T on transcript NM_005909.5 (MANE Select); coding-DNA position 5942, G replaced by T.
Protein change: p.Arg1981Ile; replaces arginine 1981 with isoleucine.
Molecular consequence: missense variant.
Genome position (GRCh38, 1-based): chr5:72,199,297, G>T. VCF-style: chr5-72199297-G-T. GRCh37 (hg19) VCF-style: chr5-71495124-G-T.
Other names: c.5564G>T, p.Arg1855Ile (NM_001324255.2); short protein forms R1855I, R1981I.
Identifiers: ClinVar variation 4977167 (VCV004977167.1).

ClinVar aggregate classification (germline): Uncertain significance (1 of 4 stars; one submission).

Conditions:
MAP1B-related disorder. Also called: MAP1B-related condition.

gnomAD v4.1: 3 of 1,614,024 alleles (0.00019%); highest among the groups gnomAD compares: Non-Finnish European, 0.00025%; no homozygotes.

Submission:

PreventionGenetics, part of Exact Sciences
Classification: Uncertain significance for MAP1B-related condition. Last evaluated: 2025-12-22. Review status: criteria provided, single submitter. Criteria: ACMG Guidelines, 2015. Collection method: clinical testing. Allele origin: germline.
Comment: The MAP1B c.5942G>T variant is predicted to result in the amino acid substitution p.Arg1981Ile. To our knowledge, this variant has not been reported in the literature or in a large population database (gnomAD), indicating this variant is rare. At this time, the clinical significance of this variant is uncertain due to the absence of conclusive functional and genetic evidence.